The following is an entry in ClinVar:

NM_002474.3(MYH11):c.5511A>G (p.Lys1837=)

Genes: MYH11 (myosin heavy chain 11; minus strand), NDE1 (nudE neurodevelopment protein 1; plus strand). Cytogenetic location: 16p13.11.
Variant type: single nucleotide variant.
Coding change: c.5511A>G on transcript NM_002474.3 (MANE Select); coding-DNA position 5511, A replaced by G.
Protein change: p.Lys1837=; no amino-acid change (lysine 1837 retained).
Molecular consequence: synonymous variant. On other transcripts: intron variant (2).
Genome position (GRCh38, 1-based): chr16:15,715,266, T>C on the plus strand (A>G on the coding strand, the complement: MYH11 is on the minus strand). VCF-style: chr16-15715266-T-C. GRCh37 (hg19) VCF-style: chr16-15809123-T-C.
Other names: c.5532A>G, p.Lys1844= (NM_001040113.2, NM_001040114.2); c.5511A>G, p.Lys1837= (NM_022844.3); c.948-8925T>C (NM_001143979.2, NM_017668.3).
Identifiers: ClinVar variation 263419 (VCV000263419.15), dbSNP rs111697558, ClinGen allele CA7921220.

ClinVar aggregate classification (germline): Likely benign. Review status: criteria provided, multiple submitters, no conflicts (2 of 4 stars). 3 submissions from 3 submitters: Likely benign (3). Last evaluated 2025-03-18.

Conditions:
Familial thoracic aortic aneurysm and aortic dissection (TAAD). Also called: Thoracic aortic aneurysms and dissections. Identifiers: Orphanet 91387, MedGen C4707243, MONDO:0019625.
Aortic aneurysm, familial thoracic 4 (AAT4). Also called: AORTIC ANEURYSM/AORTIC DISSECTION AND PATENT DUCTUS ARTERIOSUS. Identifiers: MedGen C1851504, MONDO:0007568, OMIM 132900.

Allele frequency attached by ClinVar (database versions not stated): TOPMed 0.00001; gnomAD exomes below 0.00001 and 0.00002; ExAC 0.00001; gnomAD 0.00001.
gnomAD v4.1: 8 of 1,613,946 alleles (0.0005%); highest among the groups gnomAD compares: Admixed American, 0.0067%; no homozygotes.

Submissions (3):

Labcorp Genetics (formerly Invitae), Labcorp
Classification: Likely benign for Aortic aneurysm, familial thoracic 4. Last evaluated: 2025-03-18. Review status: criteria provided, single submitter. Criteria: Invitae Variant Classification Sherloc (09022015). Collection method: clinical testing. Allele origin: germline.

Ambry Genetics
Classification: Likely benign for Familial thoracic aortic aneurysm and aortic dissection. Last evaluated: 2024-10-08. Review status: criteria provided, single submitter. Criteria: Ambry Variant Classification Scheme 2023. Collection method: clinical testing. Allele origin: germline.

All of Us Research Program, National Institutes of Health
Classification: Likely benign for Familial thoracic aortic aneurysm and aortic dissection. Last evaluated: 2024-01-11. Review status: criteria provided, single submitter. Criteria: ACMG Guidelines, 2015. Collection method: clinical testing. Allele origin: germline. Inheritance: Autosomal dominant inheritance. Observed: 2 variant alleles, 2 heterozygotes.
Comment: This study involves interpretation of variants in research participants for the purpose of population health screening. Participant phenotype was not available at the time of variant classification. Additional details can be found in publication PMID: 35346344, PMCID: PMC8962531